The following is an entry in ClinVar:

NM_198904.4(GABRG2):c.941C>A (p.Thr314Lys)

Gene: GABRG2 (gamma-aminobutyric acid type A receptor subunit gamma2; plus strand). Cytogenetic location: 5q34.
Variant type: single nucleotide variant.
Coding change: c.941C>A on transcript NM_198904.4 (MANE Select); coding-DNA position 941, C replaced by A.
Protein change: p.Thr314Lys; replaces threonine 314 with lysine.
Molecular consequence: missense variant. On other transcripts: intron variant (1).
Genome position (GRCh38, 1-based): chr5:162,149,126, C>A. VCF-style: chr5-162149126-C-A. GRCh37 (hg19) VCF-style: chr5-161576132-C-A.
Other names: c.941C>A, p.Thr314Lys (NM_000816.3); c.932C>A, p.Thr311Lys (NM_001375339.1); c.938C>A, p.Thr313Lys (NM_001375341.1, NM_001375342.1); c.1061C>A, p.Thr354Lys (NM_001375343.1, NM_198903.2); c.980C>A, p.Thr327Lys (NM_001375344.1); c.875C>A, p.Thr292Lys (NM_001375345.1, NM_001375346.1); c.854C>A, p.Thr285Lys (NM_001375347.1); c.521C>A, p.Thr174Lys (NM_001375348.1, NM_001375350.1); and 2 more; short protein forms T174K, T219K, T285K, T292K, T311K, T313K, T314K, T327K.
Identifiers: ClinVar variation 1709991 (VCV001709991.5), dbSNP rs2532755903, ClinGen allele CA362182331.

ClinVar aggregate classification (germline): Conflicting classifications of pathogenicity. Review status: criteria provided, conflicting classifications (1 of 4 stars). 2 submissions from 2 submitters: Likely pathogenic (1); Uncertain significance (1). Last evaluated 2023-05-11.

Conditions:
EPILEPSY, CHILDHOOD ABSENCE, SUSCEPTIBILITY TO, 2 (ECA2). Identifiers: Orphanet 64280, MedGen C1843244, OMIM 607681.
Febrile seizures, familial, 8 (FEB8). Also called: CONVULSIONS, FAMILIAL FEBRILE, 8. Identifiers: Orphanet 36387, MedGen C1969810, MONDO:0011891, OMIM 607681.

Submissions (2):

Labcorp Genetics (formerly Invitae), Labcorp
Classification: Likely pathogenic for Febrile seizures, familial, 8; EPILEPSY, CHILDHOOD ABSENCE, SUSCEPTIBILITY TO, 2. Last evaluated: 2023-05-11. Review status: criteria provided, single submitter. Criteria: Invitae Variant Classification Sherloc (09022015). Collection method: clinical testing. Allele origin: germline.
Comment: ClinVar contains an entry for this variant (Variation ID: 1709991). This variant disrupts the p.Thr314 amino acid residue in GABRG2. Other variant(s) that disrupt this residue have been determined to be pathogenic (Invitae). This suggests that this residue is clinically significant, and that variants that disrupt this residue are likely to be disease-causing. Advanced modeling of protein sequence and biophysical properties (such as structural, functional, and spatial information, amino acid conservation, physicochemical variation, residue mobility, and thermodynamic stability) performed at Invitae indicates that this missense variant is expected to disrupt GABRG2 protein function. This missense change has been observed in individual(s) with clinical features of GABRG2-related conditions (Invitae). This variant is not present in population databases (gnomAD no frequency). This sequence change replaces threonine, which is neutral and polar, with lysine, which is basic and polar, at codon 314 of the GABRG2 protein (p.Thr314Lys). In summary, the currently available evidence indicates that the variant is pathogenic, but additional data are needed to prove that conclusively. Therefore, this variant has been classified as Likely Pathogenic.

MGZ Medical Genetics Center
Classification: Uncertain significance for Febrile seizures, familial, 8. Last evaluated: 2021-09-03. Review status: criteria provided, single submitter. Criteria: ACMG Guidelines, 2015. Collection method: clinical testing. Allele origin: germline. Affected: yes. Observed: 1 variant allele.
Comment: ACMG criteria applied: PS2_MOD, PM1_SUP, PM2_SUP, PP3